The following is an entry in ClinVar:

NM_152296.5(ATP1A3):c.2004C>T (p.Ile668=)

Gene: ATP1A3 (ATPase Na+/K+ transporting subunit alpha 3; minus strand). Cytogenetic location: 19q13.2.
Variant type: single nucleotide variant.
Coding change: c.2004C>T on transcript NM_152296.5 (MANE Select); coding-DNA position 2004, C replaced by T.
Protein change: p.Ile668=; no amino-acid change (isoleucine 668 retained).
Molecular consequence: synonymous variant.
Genome position (GRCh38, 1-based): chr19:41,976,506, G>A on the plus strand (C>T on the coding strand, the complement: ATP1A3 is on the minus strand). VCF-style: chr19-41976506-G-A. GRCh37 (hg19) VCF-style: chr19-42480658-G-A.
Other names: c.2037C>T, p.Ile679= (NM_001256213.2); c.2043C>T, p.Ile681= (NM_001256214.2).
Identifiers: ClinVar variation 696424 (VCV000696424.35), dbSNP rs782209649, ClinGen allele CA9467504.
Genomic context (GRCh38, chr19:41,976,506, plus strand): 5'-CTTCTGCTGGGGGGATGTGCGGGCGAAGACGATCTCGGTGTGATTCTGCAGGATCTCGTC[G>A]ATTTGCTCGGAGGTGAAGTCCTTGAGGTCGGTGCCGTGGATCACGCAGGCCTTGGCATCC-3'
Protein context (NP_689509.1, residues 658-678): TDLKDFTSEQ[Ile668=]DEILQNHTEI

ClinVar aggregate classification (germline): Likely benign. Review status: criteria provided, multiple submitters, no conflicts (2 of 4 stars). 3 submissions from 3 submitters: Likely benign (3). Last evaluated 2025-12-30.

Conditions:
Dystonia 12 (DYT12). Also called: DYT-ATP1A3; Rapid-Onset Dystonia-Parkinsonism (RDP). Identifiers: Orphanet 71517, MedGen C1868681, MONDO:0007496, OMIM 128235.

Allele frequency attached by ClinVar (database versions not stated): gnomAD 0.00003; gnomAD exomes 0.00003; TOPMed 0.00003; ExAC 0.00005.

Submissions (3):

Labcorp Genetics (formerly Invitae), Labcorp
Classification: Likely benign for Dystonia 12. Last evaluated: 2025-12-30. Review status: criteria provided, single submitter. Criteria: Invitae Variant Classification Sherloc (09022015). Collection method: clinical testing. Allele origin: germline.

Blueprint Genetics
Classification: Likely benign. Last evaluated: 2024-11-11. Review status: criteria provided, single submitter. Criteria: ACMG Guidelines, 2015. Collection method: clinical testing. Allele origin: germline.

CeGaT Center for Human Genetics Tuebingen
Classification: Likely benign. Last evaluated: 2022-11-01. Review status: criteria provided, single submitter. Criteria: CeGaT Center For Human Genetics Tuebingen Variant Classification Criteria Version 2. Collection method: clinical testing. Allele origin: germline. Affected: yes. Observed: 2 variant alleles.
Comment: ATP1A3: BP4, BP7